The following is an entry in ClinVar:

ClinVar aggregate classification (germline): Uncertain significance. Review status: criteria provided, multiple submitters, no conflicts (2 of 4 stars). 3 submissions from 3 submitters: Uncertain significance (3). Last evaluated 2025-01-19.

Conditions:
Cardiovascular phenotype. Identifiers: MedGen CN230736.
Sitosterolemia (STSL). Also called: PHYTOSTEROLEMIA. Identifiers: Orphanet 2882, MedGen C0342907, MONDO:0008863.
Sitosterolemia 2. Identifiers: MedGen C5231453, MONDO:0020748, OMIM 618666.

Allele frequency attached by ClinVar (database versions not stated): 1000 Genomes Project 0.00040; TOPMed 0.00001; gnomAD exomes 0.00008; ExAC 0.00010; 1000 Genomes Project 30x 0.00031.
gnomAD v4.1: 47 of 1,614,066 alleles (0.0029%); highest among the groups gnomAD compares: South Asian, 0.037%; 2 homozygotes.

Submissions (3):

Ambry Genetics
Classification: Uncertain significance for Cardiovascular phenotype. Last evaluated: 2025-01-19. Review status: criteria provided, single submitter. Criteria: Ambry Variant Classification Scheme 2023. Collection method: clinical testing. Allele origin: germline.
Comment: The p.D450N variant (also known as c.1348G>A), located in coding exon 10 of the ABCG5 gene, results from a G to A substitution at nucleotide position 1348. The aspartic acid at codon 450 is replaced by asparagine, an amino acid with highly similar properties. This amino acid position is conserved. In addition, this alteration is predicted to be tolerated by in silico analysis. Since supporting evidence is limited at this time, the clinical significance of this alteration remains unclear.

Revvity Omics, Revvity
Classification: Uncertain significance for Sitosterolemia 2. Last evaluated: 2024-12-20. Review status: criteria provided, single submitter. Criteria: ACMG Guidelines, 2015. Collection method: clinical testing. Allele origin: germline.

Labcorp Genetics (formerly Invitae), Labcorp
Classification: Uncertain significance for Sitosterolemia. Last evaluated: 2022-06-24. Review status: criteria provided, single submitter. Criteria: Invitae Variant Classification Sherloc (09022015). Collection method: clinical testing. Allele origin: germline.
Comment: This variant has not been reported in the literature in individuals affected with ABCG5-related conditions. This sequence change replaces aspartic acid, which is acidic and polar, with asparagine, which is neutral and polar, at codon 450 of the ABCG5 protein (p.Asp450Asn). This variant is present in population databases (rs530616214, gnomAD 0.06%). ClinVar contains an entry for this variant (Variation ID: 1004734). Algorithms developed to predict the effect of missense changes on protein structure and function are either unavailable or do not agree on the potential impact of this missense change (SIFT: "Deleterious"; PolyPhen-2: "Possibly Damaging"; Align-GVGD: "Class C0"). In summary, the available evidence is currently insufficient to determine the role of this variant in disease. Therefore, it has been classified as a Variant of Uncertain Significance.

NM_022436.3(ABCG5):c.1348G>A (p.Asp450Asn)

Genes: ABCG5 (ATP binding cassette subfamily G member 5; minus strand), DYNC2LI1 (dynein cytoplasmic 2 light intermediate chain 1; plus strand). Cytogenetic location: 2p21.
Variant type: single nucleotide variant.
Coding change: c.1348G>A on transcript NM_022436.3 (MANE Select); coding-DNA position 1348, G replaced by A.
Protein change: p.Asp450Asn; replaces aspartic acid 450 with asparagine.
Molecular consequence: missense variant. On other transcripts: intron variant (2).
Genome position (GRCh38, 1-based): chr2:43,822,912, C>T on the plus strand (G>A on the coding strand, the complement: ABCG5 is on the minus strand). VCF-style: chr2-43822912-C-T. GRCh37 (hg19) VCF-style: chr2-44050051-C-T.
Other names: c.*16-4474C>T (NM_001348913.2, NM_001348912.2); short protein forms D450N.
Identifiers: ClinVar variation 1004734 (VCV001004734.11), dbSNP rs530616214, ClinGen allele CA1636299.